The following is an entry in ClinVar:

NM_006208.3(ENPP1):c.845C>T (p.Pro282Leu)

Gene: ENPP1 (ectonucleotide pyrophosphatase/phosphodiesterase 1; plus strand). Cytogenetic location: 6q23.2.
Variant type: single nucleotide variant.
Coding change: c.845C>T on transcript NM_006208.3 (MANE Select); coding-DNA position 845, C replaced by T.
Protein change: p.Pro282Leu; replaces proline 282 with leucine.
Molecular consequence: missense variant.
Genome position (GRCh38, 1-based): chr6:131,860,436, C>T. VCF-style: chr6-131860436-C-T. GRCh37 (hg19) VCF-style: chr6-132181576-C-T.
Other names: short protein forms P282L.
Identifiers: ClinVar variation 1000741 (VCV001000741.9), dbSNP rs1782006858, ClinGen allele CA365667899.

ClinVar aggregate classification (germline): Uncertain significance (1 of 4 stars; one submission).

Submission:

Labcorp Genetics (formerly Invitae), Labcorp
Classification: Uncertain significance. Last evaluated: 2023-10-04. Review status: criteria provided, single submitter. Criteria: Invitae Variant Classification Sherloc (09022015). Collection method: clinical testing. Allele origin: germline.
Comment: This sequence change replaces proline, which is neutral and non-polar, with leucine, which is neutral and non-polar, at codon 282 of the ENPP1 protein (p.Pro282Leu). This variant is not present in population databases (gnomAD no frequency). This variant has not been reported in the literature in individuals affected with ENPP1-related conditions. ClinVar contains an entry for this variant (Variation ID: 1000741). Advanced modeling of protein sequence and biophysical properties (such as structural, functional, and spatial information, amino acid conservation, physicochemical variation, residue mobility, and thermodynamic stability) performed at Invitae indicates that this missense variant is expected to disrupt ENPP1 protein function. In summary, the available evidence is currently insufficient to determine the role of this variant in disease. Therefore, it has been classified as a Variant of Uncertain Significance.